The following is an entry in ClinVar:

ClinVar aggregate classification (germline): Pathogenic (1 of 4 stars; one submission).

Conditions:
Age related macular degeneration 4. Identifiers: MedGen C1853147, MONDO:0012540, OMIM 610698.
Factor H deficiency (CFHD). Also called: COMPLEMENT FACTOR H DEFICIENCY; CFH DEFICIENCY. Identifiers: Orphanet 200421, MedGen C0398777, MONDO:0012350, OMIM 609814.

Submission:

Genomenon, Inc
Classification: Pathogenic for Age related macular degeneration 4; Factor H deficiency. Last evaluated: 2026-09-17. Review status: criteria provided, single submitter. Criteria: Genomenon Sequence Variant Interpretation Standards - Updated. Collection method: curation. Allele origin: germline. Affected: yes.
Comment: CFH c.790+1G>A is a canonical splice variant affecting the donor splice site of intron 6. It is predicted to affect mRNA splicing, leading to a deleterious effect on the CFH protein. This variant has been observed in at least one proband affected with a CFH-related disorder (PMID: 27572114; 35619721). The variant was found to segregate with disease in at least one affected family (PMID: 27572114). It is absent or not present at a significant frequency in gnomAD. In conclusion, we classify CFH c.790+1G>A as a pathogenic variant.

Literature cited by the submitters: PubMed 27572114; PubMed 35619721.

NM_000186.4(CFH):c.790+1G>A

Gene: CFH (complement factor H; plus strand). Cytogenetic location: 1q31.3.
Variant type: single nucleotide variant.
Coding change: c.790+1G>A on transcript NM_000186.4 (MANE Select); the canonical splice donor site of the intron after coding-DNA position 790, G replaced by A.
Molecular consequence: splice donor variant.
Genome position (GRCh38, 1-based): chr1:196,679,794, G>A. VCF-style: chr1-196679794-G-A. GRCh37 (hg19) VCF-style: chr1-196648924-G-A.
Other names: c.790+1G>A (NM_001014975.3).
Identifiers: ClinVar variation 4291329 (VCV004291329.2).